The following is an entry in ClinVar:

ClinVar aggregate classification (germline): Uncertain significance (1 of 4 stars; one submission).

Conditions:
Inosine triphosphatase deficiency. Also called: INOSINE TRIPHOSPHATE PYROPHOSPHOHYDROLASE DEFICIENCY. Identifiers: MedGen C0342800, MONDO:0013461, OMIM 613850.

Submission:

Labcorp Genetics (formerly Invitae), Labcorp
Classification: Uncertain significance for Inosine triphosphatase deficiency. Last evaluated: 2022-06-25. Review status: criteria provided, single submitter. Criteria: Invitae Variant Classification Sherloc (09022015). Collection method: clinical testing. Allele origin: germline.
Comment: This variant is not present in population databases (gnomAD no frequency). In summary, the available evidence is currently insufficient to determine the role of this variant in disease. Therefore, it has been classified as a Variant of Uncertain Significance. Algorithms developed to predict the effect of missense changes on protein structure and function are either unavailable or do not agree on the potential impact of this missense change (SIFT: "Deleterious"; PolyPhen-2: "Probably Damaging"; Align-GVGD: "Class C15"). This variant has not been reported in the literature in individuals affected with ITPA-related conditions. This sequence change replaces phenylalanine, which is neutral and non-polar, with leucine, which is neutral and non-polar, at codon 132 of the ITPA protein (p.Phe132Leu).

NM_033453.4(ITPA):c.396C>A (p.Phe132Leu)

Genes: ITPA (inosine triphosphatase; plus strand), LOC130065322 (ATAC-STARR-seq lymphoblastoid silent region 12615; plus strand). Cytogenetic location: 20p13.
Variant type: single nucleotide variant.
Coding change: c.396C>A on transcript NM_033453.4 (MANE Select); coding-DNA position 396, C replaced by A.
Protein change: p.Phe132Leu; replaces phenylalanine 132 with leucine.
Molecular consequence: missense variant. On other transcripts: nonsense (4), non-coding transcript variant (2).
Genome position (GRCh38, 1-based): chr20:3,218,617, C>A. VCF-style: chr20-3218617-C-A. GRCh37 (hg19) VCF-style: chr20-3199263-C-A.
Other names: c.59C>A, p.Ser20Ter (NM_001324237.2, NM_001324238.2, NM_001351739.2 and 1 more transcripts); c.396C>A, p.Phe132Leu (NM_001324240.2, NM_001424408.1); c.522C>A, p.Phe174Leu (NM_001424409.1); c.345C>A, p.Phe115Leu (NM_181493.4); c.273C>A, p.Phe91Leu (NM_001267623.2); short protein forms F115L, F91L, S20*, F132L, F174L.
Identifiers: ClinVar variation 2008053 (VCV002008053.4), dbSNP rs756108585, ClinGen allele CA408079987.